The following is an entry in ClinVar:

ClinVar aggregate classification (germline): Conflicting classifications of pathogenicity. Review status: criteria provided, conflicting classifications (1 of 4 stars). 2 submissions from 2 submitters: Uncertain significance (1); Likely benign (1). Last evaluated 2025-11-17.

Conditions:
Inborn genetic diseases. Identifiers: MedGen C0950123, MeSH D030342.
Cornelia de Lange syndrome 1 (CDLS1). Also called: Brachmann de Lange syndrome; NIPBL-Related Cornelia de Lange Syndrome; TYPUS DEGENERATIVUS AMSTELODAMENSIS. Identifiers: Orphanet 199, MedGen C4551851, MONDO:0007387, OMIM 122470.

Submissions (2):

Labcorp Genetics (formerly Invitae), Labcorp
Classification: Uncertain significance for Cornelia de Lange syndrome 1. Last evaluated: 2025-11-17. Review status: criteria provided, single submitter. Criteria: Invitae Variant Classification Sherloc (09022015). Collection method: clinical testing. Allele origin: germline.
Comment: This sequence change replaces threonine, which is neutral and polar, with serine, which is neutral and polar, at codon 1943 of the NIPBL protein (p.Thr1943Ser). This variant is present in population databases (rs368584228, gnomAD 0.05%). This variant has not been reported in the literature in individuals affected with NIPBL-related conditions. ClinVar contains an entry for this variant (Variation ID: 4120094). Invitae Evidence Modeling of protein sequence and biophysical properties (such as structural, functional, and spatial information, amino acid conservation, physicochemical variation, residue mobility, and thermodynamic stability) has been performed for this missense variant. However, the output from this modeling did not meet the statistical confidence thresholds required to predict the impact of this variant on NIPBL protein function. In summary, the available evidence is currently insufficient to determine the role of this variant in disease. Therefore, it has been classified as a Variant of Uncertain Significance.

Ambry Genetics
Classification: Likely benign for Inborn genetic diseases. Last evaluated: 2025-08-27. Review status: criteria provided, single submitter. Criteria: Ambry Variant Classification Scheme 2023. Collection method: clinical testing. Allele origin: germline.

NM_133433.4(NIPBL):c.5828C>G (p.Thr1943Ser)

Gene: NIPBL (NIPBL cohesin loading factor; plus strand). Cytogenetic location: 5p13.2.
Variant type: single nucleotide variant.
Coding change: c.5828C>G on transcript NM_133433.4 (MANE Select); coding-DNA position 5828, C replaced by G.
Protein change: p.Thr1943Ser; replaces threonine 1943 with serine.
Molecular consequence: missense variant.
Genome position (GRCh38, 1-based): chr5:37,027,378, C>G. VCF-style: chr5-37027378-C-G. GRCh37 (hg19) VCF-style: chr5-37027480-C-G.
Other names: c.5828C>G, p.Thr1943Ser (NM_001438586.1, NM_015384.5); short protein forms T1943S.
Identifiers: ClinVar variation 4120094 (VCV004120094.2).
Genomic context (GRCh38, chr5:37,027,378, plus strand): 5'-ATAAATATACTTCTAACTTTGATTCTTTTCATCACCCTTAGGTTGCAGCATGCAGAGATA[C>G]TGGATATGACTGGTTTGAGCAACTGCTTCAAAACGTGAGTGTTCTTTTGACTCCTGATAA-3'
Protein context (NP_597677.2, residues 1933-1953): ITDVVAACRD[Thr1943Ser]GYDWFEQLLQ